The following is an entry in ClinVar:

NM_198252.3(GSN):c.538A>G (p.Asn180Asp)

Gene: GSN (gelsolin; plus strand). Cytogenetic location: 9q33.2.
Variant type: single nucleotide variant.
Coding change: c.538A>G on transcript NM_198252.3 (MANE Select); coding-DNA position 538, A replaced by G.
Protein change: p.Asn180Asp; replaces asparagine 180 with aspartic acid.
Molecular consequence: missense variant. On other transcripts: 5 prime UTR variant (1).
Genome position (GRCh38, 1-based): chr9:121,312,363, A>G. VCF-style: chr9-121312363-A-G. GRCh37 (hg19) VCF-style: chr9-124074641-A-G.
Other names: p.Asn231Asp; c.691A>G, p.Asn231Asp (NM_000177.5); c.538A>G, p.Asn180Asp (NM_001127662.2, NM_001127664.2, NM_001127665.2 and 10 more transcripts); c.646A>G, p.Asn216Asp (NM_001127663.2); c.571A>G, p.Asn191Asp (NM_001127666.2, NM_001127667.2, NM_001353063.2 and 13 more transcripts); c.589A>G, p.Asn197Asp (NM_001258029.2); c.562A>G, p.Asn188Asp (NM_001258030.2); c.610A>G, p.Asn204Asp (NM_001353076.2); and 1 more; short protein forms N188D, N197D, N204D, N180D, N216D, N191D, N231D.
Identifiers: ClinVar variation 780823 (VCV000780823.15), dbSNP rs11550199, ClinGen allele CA5220933.

ClinVar aggregate classification (germline): Benign. Review status: criteria provided, multiple submitters, no conflicts (2 of 4 stars). 4 submissions from 4 submitters: Benign (4). Last evaluated 2026-02-01.

Conditions:
Finnish type amyloidosis. Also called: AMYLOIDOSIS DUE TO MUTANT GELSOLIN; AMYLOID CRANIAL NEUROPATHY WITH LATTICE CORNEAL DYSTROPHY; Amyloidosis, familial, Finnish type; Meretoja type amyloidosis; Amyloidosis 5; AMYLOIDOSIS, HEREDITARY SYSTEMIC 4, FINNISH TYPE. Identifiers: Orphanet 85448, MedGen C1622345, MONDO:0007097, OMIM 105120.

Allele frequency attached by ClinVar (database versions not stated): gnomAD exomes 0.00115 and 0.00318; ExAC 0.00381; gnomAD 0.01200 and 0.01287; TOPMed 0.01306; ESP Exome Variant Server 0.01407; 1000 Genomes Project 0.01458; 1000 Genomes Project 30x 0.01515.
gnomAD v4.1: 3,569 of 1,614,142 alleles (0.22%); highest among the groups gnomAD compares: African/African-American, 4.1%; 81 homozygotes.

Submissions (4):

Labcorp Genetics (formerly Invitae), Labcorp
Classification: Benign. Last evaluated: 2026-02-01. Review status: criteria provided, single submitter. Criteria: Invitae Variant Classification Sherloc (09022015). Collection method: clinical testing. Allele origin: germline.

Mayo Clinic Laboratories, Mayo Clinic
Classification: Benign. Last evaluated: 2024-09-09. Review status: criteria provided, single submitter. Criteria: ACMG Guidelines, 2015. Collection method: clinical testing. Allele origin: germline. Observed: 4 variant alleles.
Comment: BS1, BS2, BP4

Illumina Laboratory Services, Illumina
Classification: Benign for Finnish type amyloidosis. Last evaluated: 2018-01-12. Review status: criteria provided, single submitter. Criteria: ICSL Variant Classification Criteria 13 December 2019. Collection method: clinical testing. Allele origin: germline.
Comment: This variant was observed in the ICSL laboratory as part of a predisposition screen in an ostensibly healthy population. It had not been previously curated by ICSL or reported in the Human Gene Mutation Database (HGMD: prior to June 1st, 2018), and was therefore a candidate for classification through an automated scoring system. Utilizing variant allele frequency, disease prevalence and penetrance estimates, and inheritance mode, an automated score was calculated to assess if this variant is too frequent to cause the disease. Based on the score and internal cut-off values, a variant classified as benign is not then subjected to further curation. The score for this variant resulted in a classification of benign for this disease.

Breakthrough Genomics
Classification: Benign. Review status: criteria provided, single submitter. Criteria: ACMG Guidelines, 2015. Collection method: not provided. Allele origin: germline. Inheritance: Autosomal dominant inheritance. Affected: yes.